The following is an entry in ClinVar:

NM_001277115.2(DNAH11):c.1997C>A (p.Ala666Asp)

Gene: DNAH11 (dynein axonemal heavy chain 11; plus strand). Cytogenetic location: 7p15.3.
Variant type: single nucleotide variant.
Coding change: c.1997C>A on transcript NM_001277115.2 (MANE Select); coding-DNA position 1997, C replaced by A.
Protein change: p.Ala666Asp; replaces alanine 666 with aspartic acid.
Molecular consequence: missense variant.
Genome position (GRCh38, 1-based): chr7:21,589,231, C>A. VCF-style: chr7-21589231-C-A. GRCh37 (hg19) VCF-style: chr7-21628849-C-A.
Other names: c.1997C>A (NM_001277115.1); c.1997C>A, p.Ala666Asp (NM_003777.3); short protein forms A666D.
Identifiers: ClinVar variation 2428642 (VCV002428642.7), dbSNP rs368059592, ClinGen allele CA155075521.
Genomic context (GRCh38, chr7:21,589,231, plus strand): 5'-ATACGTATAAACCAGTAGAAAAACCTTATTCCTACAGATTTTTGGGCAATCCTGATCACG[C>A]TTTAGTTTATCAAAAGTATGTTGAAATGACCACTTTGCTTGATCAATTTGAAAGTCGTAT-3'
Protein context (NP_001264044.1, residues 656-676): RYLFLGNPDH[Ala666Asp]LVYQKYVEMT

ClinVar aggregate classification (germline): Conflicting classifications of pathogenicity. Review status: criteria provided, conflicting classifications (1 of 4 stars). 3 submissions from 3 submitters: Uncertain significance (2); Likely benign (1). Last evaluated 2023-05-18.

Conditions:
Primary ciliary dyskinesia 7. Also called: CILIARY DYSKINESIA, PRIMARY, 7, WITH OR WITHOUT SITUS INVERSUS. Identifiers: Orphanet 244, MedGen C2678473, MONDO:0012748, OMIM 611884.
Primary ciliary dyskinesia. Also called: Ciliary dyskinesia. Identifiers: Orphanet 244, MedGen C0008780, MONDO:0016575, HP:0012265.

Allele frequency attached by ClinVar (database versions not stated): TOPMed below 0.00001.
gnomAD v4.1: 11 of 1,608,308 alleles (0.00068%); highest among the groups gnomAD compares: Non-Finnish European, 0.00093%; no homozygotes.

Submissions (3):

Labcorp Genetics (formerly Invitae), Labcorp
Classification: Likely benign for Primary ciliary dyskinesia. Last evaluated: 2023-05-18. Review status: criteria provided, single submitter. Criteria: Invitae Variant Classification Sherloc (09022015). Collection method: clinical testing. Allele origin: germline.

Molecular Genetics McLendon Clinical Laboratories, University of North Carolina at Chapel Hill
Classification: Uncertain significance for Primary ciliary dyskinesia. Last evaluated: 2022-09-22. Review status: criteria provided, single submitter. Criteria: ACMG Guidelines, 2015. Collection method: clinical testing. Allele origin: germline.

ARUP Laboratories, Molecular Genetics and Genomics, ARUP Laboratories
Classification: Uncertain significance for Primary ciliary dyskinesia 7. Last evaluated: 2022-09-16. Review status: criteria provided, single submitter. Criteria: ARUP Molecular Germline Variant Investigation Process 2021. Collection method: clinical testing. Allele origin: germline.
Comment: The DNAH11 c.1997C>A; p.Ala666Asp variant (rs368059592), to our knowledge, is not reported in the medical literature or gene specific databases. This variant is only observed on one allele in the Genome Aggregation Database, indicating it is not a common polymorphism. The alanine at codon 666 is moderately conserved, but computational analyses predict that this variant is neutral (REVEL: 0.059). However, given the lack of clinical and functional data, the significance of the p.Ala666Asp variant is uncertain at this time.